The following is an entry in ClinVar:

NM_001206927.2(DNAH8):c.8403del (p.Gln2801fs)

Gene: DNAH8 (dynein axonemal heavy chain 8; plus strand). Cytogenetic location: 6p21.2.
Variant type: Deletion.
Coding change: c.8403del on transcript NM_001206927.2 (MANE Select); coding-DNA position 8403, one base deleted (A; older notation c.8403delA).
Protein change: p.Gln2801fs; shifts the reading frame from glutamine 2801.
Molecular consequence: frameshift variant.
Genome position (GRCh38, 1-based): chr6:38,886,934, A deleted; the last of 2 consecutive A bases (chr6:38,886,933-38,886,934); deleting either gives the same sequence. VCF-style (leftmost placement, unchanged base first): chr6-38886932-CA-C. GRCh37 (hg19) VCF-style: chr6-38854708-CA-C.
Other names: c.7752del, p.Gln2584fs (NM_001371.4); short protein forms Q2801fs, Q2584fs.
Identifiers: ClinVar variation 5007054 (VCV005007054.2).
Genomic context (GRCh38, chr6:38,886,932, plus strand): 5'-GTTGATGTGCAGCTCATAGCAGCAATGATCCACCCTGGAGGTGGTCGAAATGATATTCCA[CA>C]ACGTTTAAAAAGACAATTTACTGTGTTTAATTGTACATTGCCTTCAAATGCTTCAATAGA-3'

ClinVar aggregate classification (germline): Likely pathogenic (1 of 4 stars; one submission).

Conditions:
Spermatogenic failure 46. Identifiers: MedGen C5436799, MONDO:0033673, OMIM 619095.

Submission:

Juno Genomics, Hangzhou Juno Genomics, Inc
Classification: Likely pathogenic for Spermatogenic failure 46. Review status: criteria provided, single submitter. Criteria: ACMG Guidelines, 2015. Collection method: clinical testing. Allele origin: germline.
Comment: Null variant in a gene where loss of function (LOF) is a known mechanism of disease.;Absent from controls (or at extremely low frequency if recessive) in Genome Aggregation Database.